The following is an entry in ClinVar:

NM_032119.4(ADGRV1):c.7508A>T (p.Tyr2503Phe)

Gene: ADGRV1 (adhesion G protein-coupled receptor V1; plus strand). Cytogenetic location: 5q14.3.
Variant type: single nucleotide variant.
Coding change: c.7508A>T on transcript NM_032119.4 (MANE Select); coding-DNA position 7508, A replaced by T.
Protein change: p.Tyr2503Phe; replaces tyrosine 2503 with phenylalanine.
Molecular consequence: missense variant. On other transcripts: non-coding transcript variant (1).
Genome position (GRCh38, 1-based): chr5:90,694,264, A>T. VCF-style: chr5-90694264-A-T. GRCh37 (hg19) VCF-style: chr5-89990081-A-T.
Other names: short protein forms Y2503F.
Identifiers: ClinVar variation 1053995 (VCV001053995.9), dbSNP rs895520235, ClinGen allele CA360378607.
Genomic context (GRCh38, chr5:90,694,264, plus strand): 5'-GGAAAAACATGACCAGGGTAGCATCTCTTTTTAGTGGTCAGGCTGTGGCTGGGAGTGACT[A>T]TGAGCCTGTGACAAGGCAATGGGCCATAATGCAGGAAGGTGATGAATTCGCAAATCTCAC-3'
Protein context (NP_115495.3, residues 2493-2513): FSGQAVAGSD[Tyr2503Phe]EPVTRQWAIM

ClinVar aggregate classification (germline): Uncertain significance (1 of 4 stars; one submission).

Submission:

Labcorp Genetics (formerly Invitae), Labcorp
Classification: Uncertain significance. Last evaluated: 2021-01-14. Review status: criteria provided, single submitter. Criteria: Invitae Variant Classification Sherloc (09022015). Collection method: clinical testing. Allele origin: germline.
Comment: This variant is not present in population databases (ExAC no frequency). This sequence change replaces tyrosine with phenylalanine at codon 2503 of the ADGRV1 protein (p.Tyr2503Phe). The tyrosine residue is moderately conserved and there is a small physicochemical difference between tyrosine and phenylalanine. This variant has not been reported in the literature in individuals with ADGRV1-related conditions. Algorithms developed to predict the effect of missense changes on protein structure and function are either unavailable or do not agree on the potential impact of this missense change (SIFT: "Tolerated"; PolyPhen-2: "Possibly Damaging"; Align-GVGD: "Class C0"). In summary, the available evidence is currently insufficient to determine the role of this variant in disease. Therefore, it has been classified as a Variant of Uncertain Significance.